The following is an entry in ClinVar:

ClinVar aggregate classification (germline): Pathogenic (1 of 4 stars; one submission).

Conditions:
Hereditary cancer-predisposing syndrome. Also called: Neoplastic Syndromes, Hereditary; Tumor predisposition; Hereditary Cancer Syndrome; Hereditary neoplastic syndrome. Identifiers: Orphanet 140162, MedGen C0027672, MeSH D009386, MONDO:0015356.

Submission:

Ambry Genetics
Classification: Pathogenic for Hereditary cancer-predisposing syndrome. Last evaluated: 2022-09-30. Review status: criteria provided, single submitter. Criteria: Ambry Variant Classification Scheme 2023. Collection method: clinical testing. Allele origin: germline.
Comment: The p.E335* pathogenic mutation (also known as c.1003G>T), located in coding exon 9 of the BRCA2 gene, results from a G to T substitution at nucleotide position 1003. This changes the amino acid from a glutamic acid to a stop codon within coding exon 9. This alteration is expected to result in loss of function by premature protein truncation or nonsense-mediated mRNA decay. As such, this alteration is interpreted as a disease-causing mutation.

NM_000059.4(BRCA2):c.1003G>T (p.Glu335Ter)

Gene: BRCA2 (BRCA2 DNA repair associated; plus strand). Cytogenetic location: 13q13.1.
Variant type: single nucleotide variant.
Coding change: c.1003G>T on transcript NM_000059.4 (MANE Select); coding-DNA position 1003, G replaced by T.
Protein change: p.Glu335Ter; replaces glutamic acid 335 with a stop codon.
Molecular consequence: nonsense.
Genome position (GRCh38, 1-based): chr13:32,332,481, G>T. VCF-style: chr13-32332481-G-T. GRCh37 (hg19) VCF-style: chr13-32906618-G-T.
Other names: c.1003G>T, p.Glu335Ter (NM_001406719.1, NM_001406720.1, NM_001406721.1); short protein forms E335*.
Identifiers: ClinVar variation 1776230 (VCV001776230.2), dbSNP rs2137466741, ClinGen allele CA387761059.